The following is an entry in ClinVar:

ClinVar aggregate classification (germline): Uncertain significance. Review status: criteria provided, multiple submitters, no conflicts (2 of 4 stars). 3 submissions from 3 submitters: Uncertain significance (3). Last evaluated 2023-10-01.

Conditions:
Senior-Loken syndrome 6 (SLSN6). Identifiers: Orphanet 3156, MedGen C1857779, MONDO:0012433, OMIM 610189.
Leber congenital amaurosis 10 (LCA10). Identifiers: Orphanet 65, MedGen C1857821, MONDO:0012723, OMIM 611755.
Bardet-Biedl syndrome 14 (BBS14). Identifiers: Orphanet 110, MedGen C2673874, MONDO:0014442, OMIM 615991.
Meckel syndrome, type 4 (MKS4). Also called: MECKEL-GRUBER SYNDROME, TYPE 4. Identifiers: Orphanet 564, MedGen C1970161, MONDO:0012626, OMIM 611134.
Joubert syndrome 5 (JBTS5). Identifiers: Orphanet 2318, MedGen C1857780, MONDO:0012432, OMIM 610188.
Meckel-Gruber syndrome. Also called: DYSENCEPHALIA SPLANCHNOCYSTICA; GRUBER SYNDROME; Dysencephalia splachnocystica. Identifiers: Orphanet 564, MedGen C0265215, MONDO:0018921.
Nephronophthisis. Also called: Juvenile Nephronophthisis. Identifiers: Orphanet 655, MedGen C0687120, MONDO:0019005, HP:0000090.
Joubert syndrome. Also called: CEREBELLOPARENCHYMAL DISORDER IV; JOUBERT-BOLTSHAUSER SYNDROME; Familial aplasia of the vermis. Identifiers: Orphanet 475, MedGen C5979921, MONDO:0018772.
Retinal dystrophy. Also called: Inherited retinal dystrophy. Identifiers: Orphanet 71862, MedGen C0854723, MeSH D058499, MONDO:0019118, HP:0000556.

Allele frequency attached by ClinVar (database versions not stated): gnomAD exomes below 0.00001.
gnomAD v4.1: 3 of 1,581,138 alleles (0.00019%); highest among the groups gnomAD compares: Non-Finnish European, 0.00026%; no homozygotes.

Submissions (3):

Dept Of Ophthalmology, Nagoya University
Classification: Uncertain significance for Retinal dystrophy. Last evaluated: 2023-10-01. Review status: criteria provided, single submitter. Criteria: Submitter's publication. Collection method: research. Allele origin: germline. Affected: yes.

Labcorp Genetics (formerly Invitae), Labcorp
Classification: Uncertain significance for Joubert syndrome; Meckel-Gruber syndrome; Nephronophthisis. Last evaluated: 2023-09-25. Review status: criteria provided, single submitter. Criteria: Invitae Variant Classification Sherloc (09022015). Collection method: clinical testing. Allele origin: germline.
Comment: This sequence change replaces glutamine, which is neutral and polar, with arginine, which is basic and polar, at codon 1433 of the CEP290 protein (p.Gln1433Arg). The frequency data for this variant in the population databases is considered unreliable, as metrics indicate poor data quality at this position in the gnomAD database. This variant has not been reported in the literature in individuals affected with CEP290-related conditions. ClinVar contains an entry for this variant (Variation ID: 862717). Advanced modeling of protein sequence and biophysical properties (such as structural, functional, and spatial information, amino acid conservation, physicochemical variation, residue mobility, and thermodynamic stability) performed at Invitae indicates that this missense variant is not expected to disrupt CEP290 protein function. In summary, the available evidence is currently insufficient to determine the role of this variant in disease. Therefore, it has been classified as a Variant of Uncertain Significance.

Fulgent Genetics
Classification: Uncertain significance for Joubert syndrome 5; Senior-Loken syndrome 6; Meckel syndrome, type 4; Leber congenital amaurosis 10; Bardet-Biedl syndrome 14. Last evaluated: 2021-07-19. Review status: criteria provided, single submitter. Criteria: ACMG Guidelines, 2015. Collection method: clinical testing. Allele origin: unknown.

NM_025114.4(CEP290):c.4298A>G (p.Gln1433Arg)

Gene: CEP290 (centrosomal protein 290; minus strand). Cytogenetic location: 12q21.32.
Variant type: single nucleotide variant.
Coding change: c.4298A>G on transcript NM_025114.4 (MANE Select); coding-DNA position 4298, A replaced by G.
Protein change: p.Gln1433Arg; replaces glutamine 1433 with arginine.
Molecular consequence: missense variant.
Genome position (GRCh38, 1-based): chr12:88,086,395, T>C on the plus strand (A>G on the coding strand, the complement: CEP290 is on the minus strand). VCF-style: chr12-88086395-T-C. GRCh37 (hg19) VCF-style: chr12-88480172-T-C.
Other names: short protein forms Q1433R.
Identifiers: ClinVar variation 862717 (VCV000862717.12), dbSNP rs1157241942, ClinGen allele CA385997047.